The following is an entry in ClinVar:

ClinVar aggregate classification (germline): Likely benign. Review status: criteria provided, single submitter (1 of 4 stars). 2 submissions from 2 submitters: Likely benign (1). 1 of the submissions does not count toward it. Last evaluated 2023-05-16.

Conditions:
RYR1-related disorder. Also called: RYR1-related condition; RYR1-related disorders. Identifiers: MedGen CN239331.
Malignant hyperthermia, susceptibility to, 1 (MHS1). Also called: RYR1-Related Malignant Hyperthermia Susceptibility; Anesthesia related hyperthermia; Malignant hyperpyrexia; Fulminating hyperpyrexia; Pharmacogenic myopathy; Malignant hyperthermia suceptibility 1. Identifiers: Orphanet 423, MedGen C2930980, MONDO:0007783, OMIM 145600.

Allele frequency attached by ClinVar (database versions not stated): gnomAD exomes below 0.00001.
gnomAD v4.1: 3 of 1,614,162 alleles (0.00019%); highest among the groups gnomAD compares: Non-Finnish European, 0.00017%; no homozygotes.

Submissions (2):

All of Us Research Program, National Institutes of Health
Classification: Likely benign for Malignant hyperthermia, susceptibility to, 1. Last evaluated: 2023-05-16. Review status: criteria provided, single submitter. Criteria: ACMG Guidelines, 2015. Collection method: clinical testing. Allele origin: germline. Inheritance: Autosomal dominant inheritance. Observed: 1 variant allele, 1 heterozygote.
Comment: This study involves interpretation of variants in research participants for the purpose of population health screening. Participant phenotype was not available at the time of variant classification. Additional details can be found in publication PMID: 35346344, PMCID: PMC8962531

PreventionGenetics, part of Exact Sciences
Classification: Likely benign for RYR1-related condition. Last evaluated: 2022-11-14. Review status: no assertion criteria provided. Collection method: clinical testing. Allele origin: germline. Not counted in ClinVar's aggregate classification.
Comment: This variant is classified as likely benign based on ACMG/AMP sequence variant interpretation guidelines (Richards et al. 2015 PMID: 25741868, with internal and published modifications).

NM_000540.3(RYR1):c.2424T>C (p.Ala808=)

Gene: RYR1 (ryanodine receptor 1; plus strand). Cytogenetic location: 19q13.2.
Variant type: single nucleotide variant.
Coding change: c.2424T>C on transcript NM_000540.3 (MANE Select); coding-DNA position 2424, T replaced by C.
Protein change: p.Ala808=; no amino-acid change (alanine 808 retained).
Molecular consequence: synonymous variant.
Genome position (GRCh38, 1-based): chr19:38,460,438, T>C. VCF-style: chr19-38460438-T-C. GRCh37 (hg19) VCF-style: chr19-38951078-T-C.
Other names: c.2424T>C, p.Ala808= (NM_001042723.2).
Identifiers: ClinVar variation 3047766 (VCV003047766.3), dbSNP rs1167309517, ClinGen allele CA507232672.